The following is an entry in ClinVar:

ClinVar aggregate classification (germline): Uncertain significance. Review status: criteria provided, multiple submitters, no conflicts (2 of 4 stars). 2 submissions from 2 submitters: Uncertain significance (2). Last evaluated 2025-04-11.

Conditions:
Autosomal dominant limb-girdle muscular dystrophy type 1F (LGMDD2). Also called: Limb-girdle muscular dystrophy, type 1F; MUSCULAR DYSTROPHY, LIMB-GIRDLE, AUTOSOMAL DOMINANT 2. Identifiers: Orphanet 55595, MedGen C1842062, MONDO:0012034, OMIM 608423.
Inborn genetic diseases. Identifiers: MedGen C0950123, MeSH D030342.

gnomAD v4.1: 12 of 1,613,556 alleles (0.00074%); highest among the groups gnomAD compares: Non-Finnish European, 0.001%; no homozygotes.

Submissions (2):

Ambry Genetics
Classification: Uncertain significance for Inborn genetic diseases. Last evaluated: 2025-04-11. Review status: criteria provided, single submitter. Criteria: Ambry Variant Classification Scheme 2023. Collection method: clinical testing. Allele origin: germline.

Labcorp Genetics (formerly Invitae), Labcorp
Classification: Uncertain significance for Autosomal dominant limb-girdle muscular dystrophy type 1F. Last evaluated: 2025-03-14. Review status: criteria provided, single submitter. Criteria: Invitae Variant Classification Sherloc (09022015). Collection method: clinical testing. Allele origin: germline.
Comment: This sequence change replaces arginine, which is basic and polar, with histidine, which is basic and polar, at codon 297 of the TNPO3 protein (p.Arg297His). This variant is present in population databases (no rsID available, gnomAD 0.0009%). This variant has not been reported in the literature in individuals affected with TNPO3-related conditions. Invitae Evidence Modeling of protein sequence and biophysical properties (such as structural, functional, and spatial information, amino acid conservation, physicochemical variation, residue mobility, and thermodynamic stability) indicates that this missense variant is not expected to disrupt TNPO3 protein function with a negative predictive value of 80%. In summary, the available evidence is currently insufficient to determine the role of this variant in disease. Therefore, it has been classified as a Variant of Uncertain Significance.

NM_012470.4(TNPO3):c.890G>A (p.Arg297His)

Gene: TNPO3 (transportin 3; minus strand). Cytogenetic location: 7q32.1.
Variant type: single nucleotide variant.
Coding change: c.890G>A on transcript NM_012470.4 (MANE Select); coding-DNA position 890, G replaced by A.
Protein change: p.Arg297His; replaces arginine 297 with histidine.
Molecular consequence: missense variant. On other transcripts: non-coding transcript variant (18).
Genome position (GRCh38, 1-based): chr7:129,000,550, C>T on the plus strand (G>A on the coding strand, the complement: TNPO3 is on the minus strand). VCF-style: chr7-129000550-C-T. GRCh37 (hg19) VCF-style: chr7-128640604-C-T.
Other names: c.890G>A, p.Arg297His (NM_001191028.3, NM_001382216.1, NM_001382218.1 and 4 more transcripts); c.971G>A, p.Arg324His (NM_001382217.1); c.746G>A, p.Arg249His (NM_001382221.1); short protein forms R249H, R324H, R297H.
Identifiers: ClinVar variation 3971656 (VCV003971656.2).